The following is an entry in ClinVar:

NM_001378454.1(ALMS1):c.115del (p.Asp39fs)

Gene: ALMS1 (ALMS1 centrosome and basal body associated protein; plus strand). Cytogenetic location: 2p13.1.
Variant type: Deletion.
Coding change: c.115del on transcript NM_001378454.1 (MANE Select); coding-DNA position 115, one base deleted (G; older notation c.115delG).
Protein change: p.Asp39fs; shifts the reading frame from aspartic acid 39.
Molecular consequence: frameshift variant.
Genome position (GRCh38, 1-based): chr2:73,385,983, G deleted. VCF-style (leftmost placement, unchanged base first): chr2-73385982-CG-C. GRCh37 (hg19) VCF-style: chr2-73613110-CG-C.
Other names: c.118del, p.Asp40fs (NM_015120.4); short protein forms D39fs, D40fs.
Identifiers: ClinVar variation 2756964 (VCV002756964.3), dbSNP rs2465970805, ClinGen allele CA2697548273.

ClinVar aggregate classification (germline): Pathogenic (1 of 4 stars; one submission).

Conditions:
Alstrom syndrome (ALMS). Identifiers: Orphanet 64, MedGen C0268425, MONDO:0008763, OMIM 203800.

Submission:

Labcorp Genetics (formerly Invitae), Labcorp
Classification: Pathogenic for Alstrom syndrome. Last evaluated: 2023-08-31. Review status: criteria provided, single submitter. Criteria: Invitae Variant Classification Sherloc (09022015). Collection method: clinical testing. Allele origin: germline.
Comment: This sequence change creates a premature translational stop signal (p.Asp40Thrfs*2) in the ALMS1 gene. It is expected to result in an absent or disrupted protein product. Loss-of-function variants in ALMS1 are known to be pathogenic (PMID: 17594715). This variant is not present in population databases (gnomAD no frequency). This variant has not been reported in the literature in individuals affected with ALMS1-related conditions. For these reasons, this variant has been classified as Pathogenic.

Literature cited by the submitters: PubMed 17594715.